The following is an entry in ClinVar:

NC_000005.9:g.(?_37120298)_(37371079_?)dup

Genes: CPLANE1 (ciliogenesis and planar polarity effector complex subunit 1; minus strand), NUP155 (nucleoporin 155; minus strand). Cytogenetic location: 5p13.2.
Variant type: Duplication.
Identifiers: ClinVar variation 1444989 (VCV001444989.5).

ClinVar aggregate classification (germline): Uncertain significance (1 of 4 stars; one submission).

Submission:

Labcorp Genetics (formerly Invitae), Labcorp
Classification: Uncertain significance. Last evaluated: 2022-03-09. Review status: criteria provided, single submitter. Criteria: Invitae Variant Classification Sherloc (09022015). Collection method: clinical testing. Allele origin: germline.
Comment: In summary, the available evidence is currently insufficient to determine the role of this variant in disease. Therefore, it has been classified as a Variant of Uncertain Significance. Experimental studies and prediction algorithms are not available or were not evaluated, and the functional significance of this variant is currently unknown. This variant has not been reported in the literature in individuals affected with CPLANE1-related conditions. This variant results in a copy number gain of the genomic region encompassing exon(s) 1-49 of the CPLANE1 gene. This region includes the initiator codon of the gene. This copy number gain extends beyond the assayed region for this gene and therefore may encompass additional genes. As the precise location of this event is unknown, it may be in tandem or it may be located elsewhere in the genome.